The following is an entry in ClinVar:

NM_003361.4(UMOD):c.37G>T (p.Val13Leu)

Gene: UMOD (uromodulin; minus strand). Cytogenetic location: 16p12.3.
Variant type: single nucleotide variant.
Coding change: c.37G>T on transcript NM_003361.4 (MANE Select); coding-DNA position 37, G replaced by T.
Protein change: p.Val13Leu; replaces valine 13 with leucine.
Molecular consequence: missense variant. On other transcripts: non-coding transcript variant (1).
Genome position (GRCh38, 1-based): chr16:20,350,701, C>A on the plus strand (G>T on the coding strand, the complement: UMOD is on the minus strand). VCF-style: chr16-20350701-C-A. GRCh37 (hg19) VCF-style: chr16-20362023-C-A.
Other names: c.37G>T, p.Val13Leu (NM_001008389.3, NM_001278614.2, NM_001378232.1 and 4 more transcripts); short protein forms V13L.
Identifiers: ClinVar variation 4780540 (VCV004780540.2).

ClinVar aggregate classification (germline): Uncertain significance. Review status: criteria provided, multiple submitters, no conflicts (2 of 4 stars). 2 submissions from 2 submitters: Uncertain significance (2). Last evaluated 2025-09-24.

gnomAD v4.1: 4 of 1,614,192 alleles (0.00025%); highest among the groups gnomAD compares: East Asian, 0.0067%; no homozygotes.

Submissions (2):

Labcorp Genetics (formerly Invitae), Labcorp
Classification: Uncertain significance. Last evaluated: 2025-09-24. Review status: criteria provided, single submitter. Criteria: Invitae Variant Classification Sherloc (09022015). Collection method: clinical testing. Allele origin: germline.
Comment: This sequence change replaces valine, which is neutral and non-polar, with leucine, which is neutral and non-polar, at codon 13 of the UMOD protein (p.Val13Leu). This variant is present in population databases (no rsID available, gnomAD 0.01%). This variant has not been reported in the literature in individuals affected with UMOD-related conditions. Invitae Evidence Modeling of protein sequence and biophysical properties (such as structural, functional, and spatial information, amino acid conservation, physicochemical variation, residue mobility, and thermodynamic stability) indicates that this missense variant is not expected to disrupt UMOD protein function with a negative predictive value of 95%. In summary, the available evidence is currently insufficient to determine the role of this variant in disease. Therefore, it has been classified as a Variant of Uncertain Significance.

Blueprint Genetics
Classification: Uncertain significance. Last evaluated: 2023-09-27. Review status: criteria provided, single submitter. Criteria: ACMG Guidelines, 2015. Collection method: clinical testing. Allele origin: germline.